The following is an entry in ClinVar:

NM_004655.4(AXIN2):c.1465C>A (p.Pro489Thr)

Gene: AXIN2 (axin 2; minus strand). Cytogenetic location: 17q24.1.
Variant type: single nucleotide variant.
Coding change: c.1465C>A on transcript NM_004655.4 (MANE Select); coding-DNA position 1465, C replaced by A.
Protein change: p.Pro489Thr; replaces proline 489 with threonine.
Molecular consequence: missense variant.
Genome position (GRCh38, 1-based): chr17:65,537,571, G>T on the plus strand (C>A on the coding strand, the complement: AXIN2 is on the minus strand). VCF-style: chr17-65537571-G-T. GRCh37 (hg19) VCF-style: chr17-63533689-G-T.
Other names: c.1465C>A, p.Pro489Thr (NM_001363813.1); short protein forms P489T.
Identifiers: ClinVar variation 1773234 (VCV001773234.4), dbSNP rs764728243, ClinGen allele CA400677445.

ClinVar aggregate classification (germline): Uncertain significance. Review status: criteria provided, multiple submitters, no conflicts (2 of 4 stars). 2 submissions from 2 submitters: Uncertain significance (2). Last evaluated 2024-10-20.

Conditions:
Hereditary cancer-predisposing syndrome. Also called: Hereditary Cancer Syndrome; Hereditary neoplastic syndrome; Neoplastic Syndromes, Hereditary; Tumor predisposition. Identifiers: Orphanet 140162, MedGen C0027672, MeSH D009386, MONDO:0015356.
Oligodontia-cancer predisposition syndrome. Also called: TOOTH AGENESIS-COLORECTAL CANCER SYNDROME. Identifiers: Orphanet 300576, MedGen C1837750, MONDO:0012075, OMIM 608615. Disease mechanism: loss of function.

Submissions (2):

Labcorp Genetics (formerly Invitae), Labcorp
Classification: Uncertain significance for Oligodontia-cancer predisposition syndrome. Last evaluated: 2024-10-20. Review status: criteria provided, single submitter. Criteria: Invitae Variant Classification Sherloc (09022015). Collection method: clinical testing. Allele origin: germline.
Comment: This sequence change replaces proline, which is neutral and non-polar, with threonine, which is neutral and polar, at codon 489 of the AXIN2 protein (p.Pro489Thr). This variant is not present in population databases (gnomAD no frequency). This variant has not been reported in the literature in individuals affected with AXIN2-related conditions. ClinVar contains an entry for this variant (Variation ID: 1773234). Invitae Evidence Modeling of protein sequence and biophysical properties (such as structural, functional, and spatial information, amino acid conservation, physicochemical variation, residue mobility, and thermodynamic stability) indicates that this missense variant is not expected to disrupt AXIN2 protein function with a negative predictive value of 80%. In summary, the available evidence is currently insufficient to determine the role of this variant in disease. Therefore, it has been classified as a Variant of Uncertain Significance.

Ambry Genetics
Classification: Uncertain significance for Hereditary cancer-predisposing syndrome. Last evaluated: 2021-10-13. Review status: criteria provided, single submitter. Criteria: Ambry Variant Classification Scheme 2023. Collection method: clinical testing. Allele origin: germline.
Comment: The p.P489T variant (also known as c.1465C>A), located in coding exon 5 of the AXIN2 gene, results from a C to A substitution at nucleotide position 1465. The proline at codon 489 is replaced by threonine, an amino acid with highly similar properties. This amino acid position is conserved. In addition, this alteration is predicted to be tolerated by in silico analysis. Since supporting evidence is limited at this time, the clinical significance of this alteration remains unclear.